The following is an entry in ClinVar:

ClinVar aggregate classification (germline): Likely pathogenic (1 of 4 stars; one submission).

Conditions:
MHC class II deficiency. Also called: BLS, TYPE II; Bare lymphocyte syndrome 2. Identifiers: Orphanet 572, MedGen C5447452, MONDO:0008855.

Allele frequency attached by ClinVar (database versions not stated): gnomAD exomes below 0.00001.
gnomAD v4.1: 1 of 1,559,472 alleles (0.000064%); highest among the groups gnomAD compares: Non-Finnish European, 0.000087%; no homozygotes.

Submission:

Labcorp Genetics (formerly Invitae), Labcorp
Classification: Likely pathogenic for SCID due to absent class II HLA antigens. Last evaluated: 2019-03-22. Review status: criteria provided, single submitter. Criteria: Invitae Variant Classification Sherloc (09022015). Collection method: clinical testing. Allele origin: germline.
Comment: This sequence change affects a donor splice site in intron 11 of the CIITA gene. It is expected to disrupt RNA splicing and likely results in an absent or disrupted protein product. This variant is not present in population databases (ExAC no frequency). This variant has not been reported in the literature in individuals with CIITA-related conditions. Donor and acceptor splice site variants typically lead to a loss of protein function (PMID: 16199547), and loss-of-function variants in CIITA are known to be pathogenic (PMID: 8402893, 9099848, 26271388). In summary, the currently available evidence indicates that the variant is pathogenic, but additional data are needed to prove that conclusively. Therefore, this variant has been classified as Likely Pathogenic.

Literature cited by the submitters: PubMed 8402893; PubMed 26271388; PubMed 9099848.

NM_000246.4(CIITA):c.2657+1G>A

Gene: CIITA (class II major histocompatibility complex transactivator; plus strand). Cytogenetic location: 16p13.13.
Variant type: single nucleotide variant.
Coding change: c.2657+1G>A on transcript NM_000246.4 (MANE Select); the canonical splice donor site of the intron after coding-DNA position 2657, G replaced by A.
Molecular consequence: splice donor variant. On other transcripts: intron variant (1).
Genome position (GRCh38, 1-based): chr16:10,908,150, G>A. VCF-style: chr16-10908150-G-A. GRCh37 (hg19) VCF-style: chr16-11002007-G-A.
Other names: c.2513+1G>A (NM_001379330.1); c.2657+1G>A (NM_001379333.1); c.2510+1G>A (NM_001379331.1); c.860-833G>A (NM_001286403.2); c.2588+1G>A (NM_001379334.1); c.2660+1G>A (NM_001286402.1, NM_001379332.1).
Identifiers: ClinVar variation 846067 (VCV000846067.1), dbSNP rs2039309312, ClinGen allele CA394734070.